The following is an entry in ClinVar:

ClinVar aggregate classification (germline): Uncertain significance (1 of 4 stars; one submission).

Submission:

Labcorp Genetics (formerly Invitae), Labcorp
Classification: Uncertain significance. Last evaluated: 2025-07-22. Review status: criteria provided, single submitter. Criteria: Invitae Variant Classification Sherloc (09022015). Collection method: clinical testing. Allele origin: germline.
Comment: This sequence change replaces tryptophan, which is neutral and slightly polar, with arginine, which is basic and polar, at codon 32 of the NR2E3 protein (p.Trp32Arg). This variant is not present in population databases (gnomAD no frequency). This variant has not been reported in the literature in individuals affected with NR2E3-related conditions. Invitae Evidence Modeling of protein sequence and biophysical properties (such as structural, functional, and spatial information, amino acid conservation, physicochemical variation, residue mobility, and thermodynamic stability) has been performed for this missense variant. However, the output from this modeling did not meet the statistical confidence thresholds required to predict the impact of this variant on NR2E3 protein function. In summary, the available evidence is currently insufficient to determine the role of this variant in disease. Therefore, it has been classified as a Variant of Uncertain Significance.

NM_014249.4(NR2E3):c.94T>C (p.Trp32Arg)

Gene: NR2E3 (nuclear receptor subfamily 2 group E member 3; plus strand). Cytogenetic location: 15q23.
Variant type: single nucleotide variant.
Coding change: c.94T>C on transcript NM_014249.4 (MANE Select); coding-DNA position 94, T replaced by C.
Protein change: p.Trp32Arg; replaces tryptophan 32 with arginine.
Molecular consequence: missense variant.
Genome position (GRCh38, 1-based): chr15:71,810,837, T>C. VCF-style: chr15-71810837-T-C. GRCh37 (hg19) VCF-style: chr15-72103177-T-C.
Other names: c.94T>C, p.Trp32Arg (NM_016346.4); short protein forms W32R.
Identifiers: ClinVar variation 4703459 (VCV004703459.1).